The following is an entry in ClinVar:

ClinVar aggregate classification (germline): Likely pathogenic (1 of 4 stars; one submission).

Allele frequency attached by ClinVar (database versions not stated): gnomAD exomes below 0.00001.
gnomAD v4.1: 1 of 1,613,848 alleles (0.000062%); highest among the groups gnomAD compares: South Asian, 0.0011%; no homozygotes.

Submission:

Labcorp Genetics (formerly Invitae), Labcorp
Classification: Likely pathogenic. Last evaluated: 2023-09-10. Review status: criteria provided, single submitter. Criteria: Invitae Variant Classification Sherloc (09022015). Collection method: clinical testing. Allele origin: germline.
Comment: In summary, the currently available evidence indicates that the variant is pathogenic, but additional data are needed to prove that conclusively. Therefore, this variant has been classified as Likely Pathogenic. Algorithms developed to predict the effect of sequence changes on RNA splicing suggest that this variant may disrupt the consensus splice site. This variant has not been reported in the literature in individuals affected with CLCN7-related conditions. This variant is not present in population databases (gnomAD no frequency). This sequence change affects an acceptor splice site in intron 2 of the CLCN7 gene. It is expected to disrupt RNA splicing. Variants that disrupt the donor or acceptor splice site typically lead to a loss of protein function (PMID: 16199547), and loss-of-function variants in CLCN7 are known to be pathogenic (PMID: 14584882, 19953639).

Literature cited by the submitters: PubMed 16199547; PubMed 14584882; PubMed 19953639.

NM_001287.6(CLCN7):c.214-1G>A

Gene: CLCN7 (chloride voltage-gated channel 7; minus strand). Cytogenetic location: 16p13.3.
Variant type: single nucleotide variant.
Coding change: c.214-1G>A on transcript NM_001287.6 (MANE Select); the canonical splice acceptor site of the intron before coding-DNA position 214, G replaced by A.
Molecular consequence: splice acceptor variant.
Genome position (GRCh38, 1-based): chr16:1,461,675, C>T on the plus strand (G>A on the coding strand, the complement: CLCN7 is on the minus strand). VCF-style: chr16-1461675-C-T. GRCh37 (hg19) VCF-style: chr16-1511676-C-T.
Other names: c.142-1G>A (NM_001114331.3).
Identifiers: ClinVar variation 2987108 (VCV002987108.3), dbSNP rs2505848226, ClinGen allele CA394193351.